The following is an entry in ClinVar:

NM_004035.7(ACOX1):c.1535A>G (p.Lys512Arg)

Gene: ACOX1 (acyl-CoA oxidase 1; minus strand). Cytogenetic location: 17q25.1.
Variant type: single nucleotide variant.
Coding change: c.1535A>G on transcript NM_004035.7 (MANE Select); coding-DNA position 1535, A replaced by G.
Protein change: p.Lys512Arg; replaces lysine 512 with arginine.
Molecular consequence: missense variant.
Genome position (GRCh38, 1-based): chr17:75,949,544, T>C on the plus strand (A>G on the coding strand, the complement: ACOX1 is on the minus strand). VCF-style: chr17-75949544-T-C. GRCh37 (hg19) VCF-style: chr17-73945625-T-C.
Other names: c.1421A>G, p.Lys474Arg (NM_001185039.2); c.1535A>G, p.Lys512Arg (NM_007292.6); short protein forms K512R, K474R.
Identifiers: ClinVar variation 4982281 (VCV004982281.1).

ClinVar aggregate classification (germline): Uncertain significance (1 of 4 stars; one submission).

Conditions:
ACOX1-related disorder. Also called: ACOX1-related disorders; ACOX1-related condition.

gnomAD v4.1: 2 of 1,614,218 alleles (0.00012%); highest among the groups gnomAD compares: African/African-American, 0.0013%; no homozygotes.

Submission:

PreventionGenetics, part of Exact Sciences
Classification: Uncertain significance for ACOX1-related condition. Last evaluated: 2026-02-16. Review status: criteria provided, single submitter. Criteria: ACMG Guidelines, 2015. Collection method: clinical testing. Allele origin: germline.
Comment: The ACOX1 c.1535A>G variant is predicted to result in the amino acid substitution p.Lys512Arg. To our knowledge, this variant has not been reported in the literature or in a large population database (gnomAD), indicating this variant is rare. At this time, the clinical significance of this variant is uncertain due to the absence of conclusive functional and genetic evidence.